The following is an entry in ClinVar:

NC_000006.12:g.131808012G>C

Gene: ENPP1 (ectonucleotide pyrophosphatase/phosphodiesterase 1; plus strand). Cytogenetic location: 6q23.2.
Variant type: single nucleotide variant.
Genome position: GRCh38 VCF-style: chr6-131808012-G-C. GRCh37 (hg19) VCF-style: chr6-132129152-G-C.
Identifiers: ClinVar variation 369514 (VCV000369514.8), dbSNP rs1800948, ClinGen allele CA10654695.

ClinVar aggregate classification (germline): Likely benign. Review status: criteria provided, single submitter (1 of 4 stars). 2 submissions from 2 submitters: Likely benign (1). 1 of the submissions does not count toward it.

Conditions:
ENPP1-related disorder. Also called: ENPP1-related disorders; ENPP1-related condition.

Allele frequency attached by ClinVar (database versions not stated): gnomAD 0.02445; TOPMed 0.03273; 1000 Genomes Project 0.07029; 1000 Genomes Project 30x 0.07042.

Submissions (2):

Breakthrough Genomics
Classification: Likely benign. Review status: criteria provided, single submitter. Criteria: ACMG Guidelines, 2015. Collection method: not provided. Allele origin: germline. Inheritance: Autosomal recessive inheritance. Affected: yes.

PreventionGenetics, part of Exact Sciences
Classification: Likely benign for ENPP1-related condition. Last evaluated: 2021-12-13. Review status: no assertion criteria provided. Collection method: clinical testing. Allele origin: germline. Not counted in ClinVar's aggregate classification.
Comment: This variant is classified as likely benign based on ACMG/AMP sequence variant interpretation guidelines (Richards et al. 2015 PMID: 25741868, with internal and published modifications).